The following is an entry in ClinVar:

NM_212482.4(FN1):c.7016C>G (p.Ser2339Cys)

Genes: ATIC (5-aminoimidazole-4-carboxamide ribonucleotide formyltransferase/IMP cyclohydrolase; plus strand), FN1 (fibronectin 1; minus strand). Cytogenetic location: 2q35.
Variant type: single nucleotide variant.
Coding change: c.7016C>G on transcript NM_212482.4 (MANE Select); coding-DNA position 7016, C replaced by G.
Protein change: p.Ser2339Cys; replaces serine 2339 with cysteine.
Molecular consequence: missense variant.
Genome position (GRCh38, 1-based): chr2:215,367,865, G>C on the plus strand (C>G on the coding strand, the complement: FN1 is on the minus strand). VCF-style: chr2-215367865-G-C. GRCh37 (hg19) VCF-style: chr2-216232588-G-C.
Other names: c.6923C>G, p.Ser2308Cys (NM_001306129.2); c.6386C>G, p.Ser2129Cys (NM_001306130.2); c.6380C>G, p.Ser2127Cys (NM_001306131.2); c.6305C>G, p.Ser2102Cys (NM_001306132.2); c.6746C>G, p.Ser2249Cys (NM_001365517.2); c.6743C>G, p.Ser2248Cys (NM_001365518.2); c.6671C>G, p.Ser2224Cys (NM_001365519.2); c.6668C>G, p.Ser2223Cys (NM_001365520.2); and 8 more; short protein forms S2038C, S2223C, S2224C, S2308C, S2129C, S2133C, S2158C, S2217C.
Identifiers: ClinVar variation 1496051 (VCV001496051.6), dbSNP rs758304187, ClinGen allele CA2093694.

ClinVar aggregate classification (germline): Uncertain significance (1 of 4 stars; one submission).

Allele frequency attached by ClinVar (database versions not stated): gnomAD exomes below 0.00001 and 0.00001; ExAC 0.00001.
gnomAD v4.1: 3 of 1,613,958 alleles (0.00019%); highest among the groups gnomAD compares: Admixed American, 0.0017%; no homozygotes.

Submission:

Labcorp Genetics (formerly Invitae), Labcorp
Classification: Uncertain significance. Last evaluated: 2025-03-10. Review status: criteria provided, single submitter. Criteria: Invitae Variant Classification Sherloc (09022015). Collection method: clinical testing. Allele origin: germline.
Comment: This sequence change replaces serine, which is neutral and polar, with cysteine, which is neutral and slightly polar, at codon 2339 of the FN1 protein (p.Ser2339Cys). This variant is present in population databases (rs758304187, gnomAD 0.006%). This variant has not been reported in the literature in individuals affected with FN1-related conditions. ClinVar contains an entry for this variant (Variation ID: 1496051). An algorithm developed to predict the effect of missense changes on protein structure and function (PolyPhen-2) suggests that this variant is likely to be disruptive. Algorithms developed to predict the effect of sequence changes on RNA splicing suggest that this variant may disrupt the consensus splice site. In summary, the available evidence is currently insufficient to determine the role of this variant in disease. Therefore, it has been classified as a Variant of Uncertain Significance.